The following is an entry in ClinVar:

NM_015512.5(DNAH1):c.11420C>T (p.Ser3807Phe)

Gene: DNAH1 (dynein axonemal heavy chain 1; plus strand). Cytogenetic location: 3p21.1.
Variant type: single nucleotide variant.
Coding change: c.11420C>T on transcript NM_015512.5 (MANE Select); coding-DNA position 11420, C replaced by T.
Protein change: p.Ser3807Phe; replaces serine 3807 with phenylalanine.
Molecular consequence: missense variant.
Genome position (GRCh38, 1-based): chr3:52,396,528, C>T. VCF-style: chr3-52396528-C-T. GRCh37 (hg19) VCF-style: chr3-52430544-C-T.
Other names: short protein forms S3807F.
Identifiers: ClinVar variation 1917732 (VCV001917732.5), dbSNP rs2471297758, ClinGen allele CA353078493.

ClinVar aggregate classification (germline): Uncertain significance (1 of 4 stars; one submission).

Conditions:
Spermatogenic failure 18. Identifiers: MedGen C4539783, MONDO:0054615, OMIM 617576.
Ciliary dyskinesia, primary, 37 (CILD37). Also called: CILIARY DYSKINESIA, PRIMARY, 37, WITH OR WITHOUT SITUS INVERSUS. Identifiers: MedGen C4539798, MONDO:0033204, OMIM 617577.

gnomAD v4.1: 1 of 1,612,482 alleles (0.000062%); highest among the groups gnomAD compares: Non-Finnish European, 0.000085%; no homozygotes.

Submission:

Labcorp Genetics (formerly Invitae), Labcorp
Classification: Uncertain significance for Ciliary dyskinesia, primary, 37; Spermatogenic failure 18. Last evaluated: 2022-05-07. Review status: criteria provided, single submitter. Criteria: Invitae Variant Classification Sherloc (09022015). Collection method: clinical testing. Allele origin: germline.
Comment: This sequence change replaces serine, which is neutral and polar, with phenylalanine, which is neutral and non-polar, at codon 3807 of the DNAH1 protein (p.Ser3807Phe). This variant is not present in population databases (gnomAD no frequency). This variant has not been reported in the literature in individuals affected with DNAH1-related conditions. Algorithms developed to predict the effect of missense changes on protein structure and function are either unavailable or do not agree on the potential impact of this missense change (SIFT: "Deleterious"; PolyPhen-2: "Benign"; Align-GVGD: "Class C0"). In summary, the available evidence is currently insufficient to determine the role of this variant in disease. Therefore, it has been classified as a Variant of Uncertain Significance.